The following is an entry in ClinVar:

NM_001010867.4(IBA57):c.316A>G (p.Thr106Ala)

Gene: IBA57 (iron-sulfur cluster assembly factor IBA57; plus strand). Cytogenetic location: 1q42.13.
Variant type: single nucleotide variant.
Coding change: c.316A>G on transcript NM_001010867.4 (MANE Select); coding-DNA position 316, A replaced by G.
Protein change: p.Thr106Ala; replaces threonine 106 with alanine.
Molecular consequence: missense variant.
Genome position (GRCh38, 1-based): chr1:228,166,132, A>G. VCF-style: chr1-228166132-A-G. GRCh37 (hg19) VCF-style: chr1-228353833-A-G.
Other names: short protein forms T106A.
Identifiers: ClinVar variation 545650 (VCV000545650.11), dbSNP rs1053773776, ClinGen allele CA38736636.

ClinVar aggregate classification (germline): Pathogenic/Likely pathogenic. Review status: criteria provided, multiple submitters, no conflicts (2 of 4 stars). 6 submissions from 6 submitters: Pathogenic (2); Likely pathogenic (3). 1 of the submissions does not count toward it. Last evaluated 2025-06-19.

Conditions:
Hereditary spastic paraplegia 74. Also called: Spastic paraplegia 74, autosomal recessive. Identifiers: Orphanet 468661, MedGen C5568837, MONDO:0014644, OMIM 616451.
Multiple mitochondrial dysfunctions syndrome 3 (MMDS3). Identifiers: Orphanet 363424, MedGen C3809165, MONDO:0014132, OMIM 615330.

Allele frequency attached by ClinVar (database versions not stated): TOPMed 0.00002; gnomAD 0.00003.
gnomAD v4.1: 16 of 1,521,322 alleles (0.0011%); highest among the groups gnomAD compares: African/African-American, 0.0057%; no homozygotes.

Submissions (6):

Revvity Omics, Revvity
Classification: Likely pathogenic. Last evaluated: 2025-06-19. Review status: criteria provided, single submitter. Criteria: ACMG Guidelines, 2015. Collection method: clinical testing. Allele origin: germline.

3billion
Classification: Pathogenic for Multiple mitochondrial dysfunctions syndrome 3. Last evaluated: 2025-05-19. Review status: criteria provided, single submitter. Criteria: ACMG Guidelines, 2015. Collection method: clinical testing. Allele origin: germline. Affected: yes.
Comment: The variant is observed at an extremely low frequency in the gnomAD v4.1.0 dataset (total allele frequency: 0.001%). Predicted Consequence/Location: Missense variant In silico tool predictions suggest damaging effect of the variant on gene or gene product [3Cnet: 0.83 (> 0.75, sensitivity 0.96 and precision 0.92)]. The same nucleotide change resulting in the same amino acid change has been previously reported as pathogenic/likely pathogenic with strong evidence (ClinVar ID: VCV000545650 /PMID: 27785568 /3billion dataset). The variant has been reported to be in trans with a pathogenic variant as either compound heterozygous or homozygous in at least 2 similarly affected unrelated individuals (PMID: 27785568, 28671726, 28803783, 34374989). Therefore, this variant is classified as Pathogenic according to the recommendation of ACMG/AMP guideline.

Labcorp Genetics (formerly Invitae), Labcorp
Classification: Pathogenic for Multiple mitochondrial dysfunctions syndrome 3; Hereditary spastic paraplegia 74. Last evaluated: 2024-12-09. Review status: criteria provided, single submitter. Criteria: Invitae Variant Classification Sherloc (09022015). Collection method: clinical testing. Allele origin: germline.
Comment: This sequence change replaces threonine, which is neutral and polar, with alanine, which is neutral and non-polar, at codon 106 of the IBA57 protein (p.Thr106Ala). The frequency data for this variant in the population databases is considered unreliable, as metrics indicate poor data quality at this position in the gnomAD database. This missense change has been observed in individual(s) with multiple mitochondrial dysfunctions syndrome 3 (PMID: 27785568, 28671726, 28803783, 34374989). In at least one individual the data is consistent with being in trans (on the opposite chromosome) from a pathogenic variant. It has also been observed to segregate with disease in related individuals. ClinVar contains an entry for this variant (Variation ID: 545650). Invitae Evidence Modeling of protein sequence and biophysical properties (such as structural, functional, and spatial information, amino acid conservation, physicochemical variation, residue mobility, and thermodynamic stability) indicates that this missense variant is not expected to disrupt IBA57 protein function with a negative predictive value of 80%. For these reasons, this variant has been classified as Pathogenic.

Dubai Health Genomic Medicine Center, Dubai Health
Classification: Likely pathogenic for Multiple mitochondrial dysfunctions syndrome 3. Last evaluated: 2024-10-04. Review status: criteria provided, single submitter. Criteria: ACMG Guidelines, 2015. Collection method: research. Allele origin: germline. Affected: yes.
Comment: PP1,PM3(strong),PM2,PP3

Suma Genomics
Classification: Likely pathogenic for Hereditary spastic paraplegia 74; Multiple mitochondrial dysfunctions syndrome 3. Review status: criteria provided, single submitter. Criteria: ACMG Guidelines, 2015. Collection method: clinical testing. Allele origin: inherited. Inheritance: Autosomal recessive inheritance. Affected: yes.

OMIM
Classification: Pathogenic for MULTIPLE MITOCHONDRIAL DYSFUNCTIONS SYNDROME 3. Last evaluated: 2018-06-25. Review status: no assertion criteria provided. Collection method: literature only. Allele origin: germline. Not counted in ClinVar's aggregate classification.

Literature cited by the submitters: PubMed 27785568 (cited by 3billion and Labcorp Genetics (formerly Invitae), Labcorp); PubMed 28803783 (cited by 3billion and Labcorp Genetics (formerly Invitae), Labcorp); PubMed 28671726 (cited by 3 submitters); PubMed 34374989 (cited by 3billion and Labcorp Genetics (formerly Invitae), Labcorp).